The following is an entry in ClinVar:

ClinVar aggregate classification (germline): Uncertain significance (1 of 4 stars; one submission).

Submission:

GeneDx
Classification: Uncertain significance. Last evaluated: 2024-08-05. Review status: criteria provided, single submitter. Criteria: GeneDx Variant Classification Process June 2021. Collection method: clinical testing. Allele origin: germline. Affected: yes.
Comment: Not observed at significant frequency in large population cohorts (gnomAD); In silico analysis indicates that this missense variant does not alter protein structure/function; Has not been previously published as pathogenic or benign to our knowledge

NM_003590.5(CUL3):c.1601T>C (p.Ile534Thr)

Gene: CUL3 (cullin 3; minus strand). Cytogenetic location: 2q36.2.
Variant type: single nucleotide variant.
Coding change: c.1601T>C on transcript NM_003590.5 (MANE Select); coding-DNA position 1601, T replaced by C.
Protein change: p.Ile534Thr; replaces isoleucine 534 with threonine.
Molecular consequence: missense variant.
Genome position (GRCh38, 1-based): chr2:224,500,372, A>G on the plus strand (T>C on the coding strand, the complement: CUL3 is on the minus strand). VCF-style: chr2-224500372-A-G. GRCh37 (hg19) VCF-style: chr2-225365089-A-G.
Other names: c.1403T>C, p.Ile468Thr (NM_001257197.2); c.1619T>C, p.Ile540Thr (NM_001257198.2); short protein forms I468T, I534T, I540T.
Identifiers: ClinVar variation 3603141 (VCV003603141.1).